The following is an entry in ClinVar:

ClinVar aggregate classification (germline): Uncertain significance (1 of 4 stars; one submission).

Allele frequency attached by ClinVar (database versions not stated): gnomAD exomes 0.00001.
gnomAD v4.1: 3 of 1,610,844 alleles (0.00019%); highest among the groups gnomAD compares: Non-Finnish European, 0.00025%; no homozygotes.

Submission:

Labcorp Genetics (formerly Invitae), Labcorp
Classification: Uncertain significance. Last evaluated: 2022-04-09. Review status: criteria provided, single submitter. Criteria: Invitae Variant Classification Sherloc (09022015). Collection method: clinical testing. Allele origin: germline.
Comment: In summary, the available evidence is currently insufficient to determine the role of this variant in disease. Therefore, it has been classified as a Variant of Uncertain Significance. Algorithms developed to predict the effect of missense changes on protein structure and function are either unavailable or do not agree on the potential impact of this missense change (SIFT: "Deleterious"; PolyPhen-2: "Probably Damaging"; Align-GVGD: "Class C0"). This variant has not been reported in the literature in individuals affected with DDX58-related conditions. This variant is present in population databases (no rsID available, gnomAD 0.0009%). This sequence change replaces isoleucine, which is neutral and non-polar, with methionine, which is neutral and non-polar, at codon 277 of the DDX58 protein (p.Ile277Met).

NM_014314.4(RIGI):c.831A>G (p.Ile277Met)

Gene: RIGI (RNA sensor RIG-I; minus strand). Cytogenetic location: 9p21.1.
Variant type: single nucleotide variant.
Coding change: c.831A>G on transcript NM_014314.4 (MANE Select); coding-DNA position 831, A replaced by G.
Protein change: p.Ile277Met; replaces isoleucine 277 with methionine.
Molecular consequence: missense variant.
Genome position (GRCh38, 1-based): chr9:32,488,856, T>C on the plus strand (A>G on the coding strand, the complement: RIGI is on the minus strand). VCF-style: chr9-32488856-T-C. GRCh37 (hg19) VCF-style: chr9-32488854-T-C.
Other names: c.831A>G, p.Ile277Met (NM_001385907.1, NM_001385909.1); c.390A>G, p.Ile130Met (NM_001385910.1); c.222A>G, p.Ile74Met (NM_001385912.1); c.816A>G, p.Ile272Met (NM_001385913.1); c.387A>G, p.Ile129Met (NM_001385914.1); short protein forms I277M, I129M, I272M, I130M, I74M.
Identifiers: ClinVar variation 1960218 (VCV001960218.5), dbSNP rs1414165350, ClinGen allele CA373158653.